The following is an entry in ClinVar:

NM_013339.4(ALG6):c.1059-8G>A

Gene: ALG6 (ALG6 alpha-1,3-glucosyltransferase; plus strand). Cytogenetic location: 1p31.3.
Variant type: single nucleotide variant.
Coding change: c.1059-8G>A on transcript NM_013339.4 (MANE Select); 8 bases into the intron before coding-DNA position 1059, G replaced by A.
Molecular consequence: intron variant.
Genome position (GRCh38, 1-based): chr1:63,428,725, G>A. VCF-style: chr1-63428725-G-A. GRCh37 (hg19) VCF-style: chr1-63894396-G-A.
Other names: c.1059-8G>A (LRG_1260t1).
Identifiers: ClinVar variation 385670 (VCV000385670.9), dbSNP rs755900020, ClinGen allele CA888368.

ClinVar aggregate classification (germline): Likely benign. Review status: criteria provided, multiple submitters, no conflicts (2 of 4 stars). 2 submissions from 2 submitters: Likely benign (2). Last evaluated 2025-10-29.

Conditions:
ALG6-congenital disorder of glycosylation 1C (CDG1C). Also called: CARBOHYDRATE-DEFICIENT GLYCOPROTEIN SYNDROME, TYPE I, WITH DEFICIENT GLYCOSYLATION OF DOLICHOL-LINKED OLIGOSACCHARIDE; CARBOHYDRATE-DEFICIENT GLYCOPROTEIN SYNDROME, TYPE V; Congenital disorder of glycosylation type 1C; Congenital disorder of glycosylation, type Ic; CDG Ic. Identifiers: Orphanet 79320, MedGen C2930997, MONDO:0011291, OMIM 603147.

Allele frequency attached by ClinVar (database versions not stated): TOPMed 0.00001; ExAC 0.00003.
gnomAD v4.1: 32 of 1,578,340 alleles (0.002%); highest among the groups gnomAD compares: Non-Finnish European, 0.0025%; no homozygotes.

Submissions (2):

Labcorp Genetics (formerly Invitae), Labcorp
Classification: Likely benign for ALG6-congenital disorder of glycosylation 1C. Last evaluated: 2025-10-29. Review status: criteria provided, single submitter. Criteria: Invitae Variant Classification Sherloc (09022015). Collection method: clinical testing. Allele origin: germline.

GeneDx
Classification: Likely benign. Last evaluated: 2016-05-09. Review status: criteria provided, single submitter. Criteria: GeneDx Variant Classification (06012015). Collection method: clinical testing. Allele origin: germline. Affected: yes.
Comment: This variant is considered likely benign or benign based on one or more of the following criteria: it is a conservative change, it occurs at a poorly conserved position in the protein, it is predicted to be benign by multiple in silico algorithms, and/or has population frequency not consistent with disease.